The following is an entry in ClinVar:

NM_003482.4(KMT2D):c.6724G>C (p.Asp2242His)

Gene: KMT2D (lysine methyltransferase 2D; minus strand). Cytogenetic location: 12q13.12.
Variant type: single nucleotide variant.
Coding change: c.6724G>C on transcript NM_003482.4 (MANE Select); coding-DNA position 6724, G replaced by C.
Protein change: p.Asp2242His; replaces aspartic acid 2242 with histidine.
Molecular consequence: missense variant.
Genome position (GRCh38, 1-based): chr12:49,041,046, C>G on the plus strand (G>C on the coding strand, the complement: KMT2D is on the minus strand). VCF-style: chr12-49041046-C-G. GRCh37 (hg19) VCF-style: chr12-49434829-C-G.
Other names: short protein forms D2242H.
Identifiers: ClinVar variation 3343920 (VCV003343920.1).

ClinVar aggregate classification (germline): Uncertain significance (1 of 4 stars; one submission).

Submission:

GeneDx
Classification: Uncertain significance. Last evaluated: 2024-03-19. Review status: criteria provided, single submitter. Criteria: GeneDx Variant Classification Process June 2021. Collection method: clinical testing. Allele origin: germline. Affected: yes.
Comment: Not observed at significant frequency in large population cohorts (gnomAD); In silico analysis supports that this missense variant has a deleterious effect on protein structure/function; Has not been previously published as pathogenic or benign to our knowledge